The following is an entry in ClinVar:

ClinVar aggregate classification (germline): Uncertain significance (1 of 4 stars; one submission).

Conditions:
Complex cortical dysplasia with other brain malformations 7. Identifiers: Orphanet 300573, MedGen C3552236, MONDO:0012399, OMIM 610031.

Submission:

3billion
Classification: Uncertain significance for Complex cortical dysplasia with other brain malformations 7. Last evaluated: 2025-02-23. Review status: criteria provided, single submitter. Criteria: ACMG Guidelines, 2015. Collection method: clinical testing. Allele origin: germline. Affected: yes.
Comment: The variant is not observed in the gnomAD v4.1.0 dataset. Predicted Consequence/Location: Missense variant. Missense changes are a common disease-causing mechanism. In silico tool predictions suggest damaging effect of the variant on gene or gene product [REVEL: 0.66 (>=0.6, sensitivity 0.68 and specificity 0.92)]. A different missense change at the same codon (p.Ser275Asn) has been reported to be associated with TUBB2B-related disorder (PMID: 35726512). However the evidence of pathogenicity is insufficient at this time. Therefore, this variant is classified as VUS according to the recommendation of ACMG/AMP guideline.

Literature cited by the submitters: PubMed 35726512.

NM_178012.5(TUBB2B):c.824G>C (p.Ser275Thr)

Gene: TUBB2B (tubulin beta 2B class IIb; minus strand). Cytogenetic location: 6p25.2.
Variant type: single nucleotide variant.
Coding change: c.824G>C on transcript NM_178012.5 (MANE Select); coding-DNA position 824, G replaced by C.
Protein change: p.Ser275Thr; replaces serine 275 with threonine.
Molecular consequence: missense variant.
Genome position (GRCh38, 1-based): chr6:3,225,265, C>G on the plus strand (G>C on the coding strand, the complement: TUBB2B is on the minus strand). VCF-style: chr6-3225265-C-G. GRCh37 (hg19) VCF-style: chr6-3225499-C-G.
Other names: short protein forms S275T.
Identifiers: ClinVar variation 4293588 (VCV004293588.1).